The following is an entry in ClinVar:

ClinVar aggregate classification (germline): Conflicting classifications of pathogenicity. Review status: criteria provided, conflicting classifications (1 of 4 stars). 5 submissions from 5 submitters: Uncertain significance (3); Benign (1); Likely benign (1). Last evaluated 2026-04-24.

Conditions:
Lymphangiomyomatosis (LAM). Also called: Lymphangioleiomyomatosis, somatic; Lymphangioleiomyomatosis. Identifiers: Orphanet 538, MedGen C0751674, MONDO:0011705, OMIM 606690.
Isolated focal cortical dysplasia type II (FCORD2). Also called: CORTICAL DYSPLASIA OF TAYLOR; Focal cortical dysplasia type II. Identifiers: Orphanet 268994, MedGen C1846385, MONDO:0011818, OMIM 607341, HP:0032051.
Tuberous sclerosis 2 (TSC2). Identifiers: Orphanet 805, MedGen C1860707, MONDO:0013199, OMIM 613254.
Hereditary cancer-predisposing syndrome. Also called: Hereditary Cancer Syndrome; Neoplastic Syndromes, Hereditary; Tumor predisposition; Hereditary neoplastic syndrome. Identifiers: Orphanet 140162, MedGen C0027672, MeSH D009386, MONDO:0015356.
Tuberous sclerosis syndrome (TSC). Also called: Tuberous Sclerosis Complex; Tuberous sclerosis. Identifiers: Orphanet 805, MedGen C0041341, MONDO:0001734.

Allele frequency attached by ClinVar (database versions not stated): gnomAD 0.00001; TOPMed 0.00001; ExAC 0.00001.
gnomAD v4.1: 8 of 1,613,604 alleles (0.0005%); highest among the groups gnomAD compares: South Asian, 0.0011%; no homozygotes.

Submissions (5):

Ambry Genetics
Classification: Likely benign for Hereditary cancer-predisposing syndrome. Last evaluated: 2026-04-24. Review status: criteria provided, single submitter. Criteria: Ambry Variant Classification Scheme 2023. Collection method: clinical testing. Allele origin: germline.

Labcorp Genetics (formerly Invitae), Labcorp
Classification: Benign for Tuberous sclerosis 2. Last evaluated: 2025-08-25. Review status: criteria provided, single submitter. Criteria: Invitae Variant Classification Sherloc (09022015). Collection method: clinical testing. Allele origin: germline.

GeneDx
Classification: Uncertain significance. Last evaluated: 2024-05-22. Review status: criteria provided, single submitter. Criteria: GeneDx Variant Classification Process June 2021. Collection method: clinical testing. Allele origin: germline. Affected: yes.
Comment: In silico analysis indicates that this missense variant does not alter protein structure/function; Observed in a pediatric patient with tuberous sclerosis complex-associated neuropsychiatric disorder and cortical dysplasias (PMID: 32917966); This variant is associated with the following publications: (PMID: 18466115, 32917966)

Fulgent Genetics
Classification: Uncertain significance for Lymphangiomyomatosis; Isolated focal cortical dysplasia type II; Tuberous sclerosis 2. Last evaluated: 2024-05-16. Review status: criteria provided, single submitter. Criteria: ACMG Guidelines, 2015. Collection method: clinical testing. Allele origin: germline.

All of Us Research Program, National Institutes of Health
Classification: Uncertain significance for Tuberous sclerosis syndrome. Last evaluated: 2023-11-02. Review status: criteria provided, single submitter. Criteria: ACMG Guidelines, 2015. Collection method: clinical testing. Allele origin: germline. Inheritance: Autosomal dominant inheritance. Observed: 3 variant alleles, 3 heterozygotes.
Comment: This missense variant replaces alanine with threonine at codon 68 of the TSC2 protein. Computational prediction is inconclusive regarding the impact of this variant on protein structure and function (internally defined REVEL score threshold 0.5 < inconclusive < 0.7, PMID: 27666373). To our knowledge, functional studies have not been reported for this variant. This variant has been reported in individuals affected with cortical dysplasias and TSC-associated neuropsychiatric disorders (TAND) in the literature (PMID: 32917966). This variant has been identified in 1/251046 chromosomes in the general population by the Genome Aggregation Database (gnomAD). The available evidence is insufficient to determine the role of this variant in disease conclusively. Therefore, this variant is classified as a Variant of Uncertain Significance.

This study involves interpretation of variants in research participants for the purpose of population health screening. Participant phenotype was not available at the time of variant classification. Additional details can be found in publication PMID: 35346344, PMCID: PMC8962531

Literature cited by the submitters: PubMed 32917966 (cited by All of Us Research Program, National Institutes of Health).

NM_000548.5(TSC2):c.202G>A (p.Ala68Thr)

Gene: TSC2 (TSC complex subunit 2; plus strand). Cytogenetic location: 16p13.3.
Variant type: single nucleotide variant.
Coding change: c.202G>A on transcript NM_000548.5 (MANE Select); coding-DNA position 202, G replaced by A.
Protein change: p.Ala68Thr; replaces alanine 68 with threonine.
Molecular consequence: missense variant. On other transcripts: 5 prime UTR variant (1).
Genome position (GRCh38, 1-based): chr16:2,050,463, G>A. VCF-style: chr16-2050463-G-A. GRCh37 (hg19) VCF-style: chr16-2100464-G-A.
Other names: c.202G>A, p.Ala68Thr (NM_001077183.3, NM_001114382.3, NM_001318827.2 and 4 more transcripts); c.55G>A, p.Ala19Thr (NM_001318829.2); c.-25G>A (NM_001318831.2); c.235G>A, p.Ala79Thr (NM_001318832.2); short protein forms A19T, A79T, A68T.
Identifiers: ClinVar variation 966947 (VCV000966947.15), dbSNP rs767626323, ClinGen allele CA035859.